The following is an entry in ClinVar:

ClinVar aggregate classification (germline): Uncertain significance (1 of 4 stars; one submission).

Allele frequency attached by ClinVar (database versions not stated): gnomAD exomes below 0.00001.
gnomAD v4.1: 1 of 1,610,116 alleles (0.000062%); highest among the groups gnomAD compares: Non-Finnish European, 0.000085%; no homozygotes.

Submission:

Labcorp Genetics (formerly Invitae), Labcorp
Classification: Uncertain significance. Last evaluated: 2022-07-12. Review status: criteria provided, single submitter. Criteria: Invitae Variant Classification Sherloc (09022015). Collection method: clinical testing. Allele origin: germline.
Comment: In summary, the available evidence is currently insufficient to determine the role of this variant in disease. Therefore, it has been classified as a Variant of Uncertain Significance. Algorithms developed to predict the effect of missense changes on protein structure and function (SIFT, PolyPhen-2, Align-GVGD) all suggest that this variant is likely to be tolerated. This variant has not been reported in the literature in individuals affected with RARS-related conditions. This variant is present in population databases (no rsID available, gnomAD 0.0009%). This sequence change replaces valine, which is neutral and non-polar, with methionine, which is neutral and non-polar, at codon 180 of the RARS protein (p.Val180Met).

NM_002887.4(RARS1):c.538G>A (p.Val180Met)

Gene: RARS1 (arginyl-tRNA synthetase 1; plus strand). Cytogenetic location: 5q34.
Variant type: single nucleotide variant.
Coding change: c.538G>A on transcript NM_002887.4 (MANE Select); coding-DNA position 538, G replaced by A.
Protein change: p.Val180Met; replaces valine 180 with methionine.
Molecular consequence: missense variant.
Genome position (GRCh38, 1-based): chr5:168,494,609, G>A. VCF-style: chr5-168494609-G-A. GRCh37 (hg19) VCF-style: chr5-167921614-G-A.
Other names: short protein forms V180M.
Identifiers: ClinVar variation 2131013 (VCV002131013.4), dbSNP rs1326660183, ClinGen allele CA362079193.